The following is an entry in ClinVar:

ClinVar aggregate classification (germline): Uncertain significance (1 of 4 stars; one submission).

Conditions:
Developmental and epileptic encephalopathy, 87. Also called: EPILEPTIC ENCEPHALOPATHY, EARLY INFANTILE, 87. Identifiers: MedGen C5394501, MONDO:0030059, OMIM 618916.

Submission:

Neuberg Centre For Genomic Medicine, NCGM
Classification: Uncertain significance for Developmental and epileptic encephalopathy, 87. Review status: criteria provided, single submitter. Criteria: ACMG Guidelines, 2015. Collection method: clinical testing. Allele origin: germline. Inheritance: Autosomal dominant inheritance. Affected: yes.
Comment: The missense c.1486T>A p.Ser496Thr variant in CDK19 gene has not been reported previously as a pathogenic variant nor as a benign variant, to our knowledge. The p.Ser496Thr variant is novel not in any individuals in both gnomAD Exomes and 1000 Genomes databases. This variant has not been reported to the ClinVar database. The amino acid change p.Ser496Thr in CDK19 is predicted as conserved by GERP++ and PhyloP across 100 vertebrates. The amino acid Ser at position 496 is changed to a Thr changing protein sequence and it might alter its composition and physico-chemical properties. For these reasons, this variant has been classified as a Variant of Uncertain Significance VUS.

NM_015076.5(CDK19):c.1486T>A (p.Ser496Thr)

Gene: CDK19 (cyclin dependent kinase 19; minus strand). Cytogenetic location: 6q21.
Variant type: single nucleotide variant.
Coding change: c.1486T>A on transcript NM_015076.5 (MANE Select); coding-DNA position 1486, T replaced by A.
Protein change: p.Ser496Thr; replaces serine 496 with threonine.
Molecular consequence: missense variant.
Genome position (GRCh38, 1-based): chr6:110,614,558, A>T on the plus strand (T>A on the coding strand, the complement: CDK19 is on the minus strand). VCF-style: chr6-110614558-A-T. GRCh37 (hg19) VCF-style: chr6-110935761-A-T.
Other names: c.1354T>A, p.Ser452Thr (NM_001300960.2); c.1306T>A, p.Ser436Thr (NM_001300963.2, NM_001300964.2); short protein forms S436T, S452T, S496T.
Identifiers: ClinVar variation 3235030 (VCV003235030.1), dbSNP rs2535238995, ClinGen allele CA365354443.